The following is an entry in ClinVar:

NM_000059.4(BRCA2):c.1565G>A (p.Gly522Asp)

Gene: BRCA2 (BRCA2 DNA repair associated; plus strand). Cytogenetic location: 13q13.1.
Variant type: single nucleotide variant.
Coding change: c.1565G>A on transcript NM_000059.4 (MANE Select); coding-DNA position 1565, G replaced by A.
Protein change: p.Gly522Asp; replaces glycine 522 with aspartic acid.
Molecular consequence: missense variant. On other transcripts: non-coding transcript variant (1), intron variant (1).
Genome position (GRCh38, 1-based): chr13:32,333,043, G>A. VCF-style: chr13-32333043-G-A. GRCh37 (hg19) VCF-style: chr13-32907180-G-A.
Other names: c.1565G>A, p.Gly522Asp (NM_001406719.1, NM_001406720.1, NM_001406721.1 and 1 more transcripts); c.424+2013G>A (NM_001406722.1); short protein forms G522D.
Identifiers: ClinVar variation 4699949 (VCV004699949.1).

ClinVar aggregate classification (germline): Uncertain significance (1 of 4 stars; one submission).

Conditions:
Hereditary breast ovarian cancer syndrome. Also called: Hereditary breast and ovarian cancer syndrome (HBOC); Breast and ovarian cancer; Hereditary breast and ovarian cancer; Hereditary breast and ovarian cancer syndrome; BRCA1- and BRCA2-Associated Hereditary Breast and Ovarian Cancer; Hereditary breast and/or ovarian cancer syndrome. Identifiers: Orphanet 145, MedGen C0677776, MeSH D061325, MONDO:0003582. Disease mechanism: loss of function.

Submission:

Labcorp Genetics (formerly Invitae), Labcorp
Classification: Uncertain significance for Hereditary breast ovarian cancer syndrome. Last evaluated: 2025-12-08. Review status: criteria provided, single submitter. Criteria: Invitae Variant Classification Sherloc (09022015). Collection method: clinical testing. Allele origin: germline.
Comment: This sequence change replaces glycine, which is neutral and non-polar, with aspartic acid, which is acidic and polar, at codon 522 of the BRCA2 protein (p.Gly522Asp). This variant is not present in population databases (gnomAD no frequency). This variant has not been reported in the literature in individuals affected with BRCA2-related conditions. Invitae Evidence Modeling of protein sequence and biophysical properties (such as structural, functional, and spatial information, amino acid conservation, physicochemical variation, residue mobility, and thermodynamic stability) indicates that this missense variant is not expected to disrupt BRCA2 protein function with a negative predictive value of 95%. In summary, the available evidence is currently insufficient to determine the role of this variant in disease. Therefore, it has been classified as a Variant of Uncertain Significance.